The following is an entry in ClinVar:

NC_000005.10:g.112707410_112707412del

Gene: APC (APC regulator of Wnt signaling pathway; plus strand). Cytogenetic location: 5q22.2.
Variant type: Deletion.
Genome position: GRCh38 VCF-style: chr5-112707409-GGCA-G. GRCh37 (hg19) VCF-style: chr5-112043106-GGCA-G.
Identifiers: ClinVar variation 2057240 (VCV002057240.5), dbSNP rs1234305513, ClinGen allele CA802056881.

ClinVar aggregate classification (germline): Uncertain significance (1 of 4 stars; one submission).

Conditions:
Familial adenomatous polyposis 1 (FAP1). Also called: POLYPOSIS, ADENOMATOUS INTESTINAL; FAMILIAL ADENOMATOUS POLYPOSIS 1, ATTENUATED. Identifiers: MedGen C2713442, MONDO:0021056, OMIM 175100. Disease mechanism: loss of function.

Allele frequency attached by ClinVar (database versions not stated): TOPMed 0.00002.

Submission:

Labcorp Genetics (formerly Invitae), Labcorp
Classification: Uncertain significance for Familial adenomatous polyposis 1. Last evaluated: 2021-12-24. Review status: criteria provided, single submitter. Criteria: Invitae Variant Classification Sherloc (09022015). Collection method: clinical testing. Allele origin: germline.
Comment: In summary, the available evidence is currently insufficient to determine the role of this variant in disease. Therefore, it has been classified as a Variant of Uncertain Significance. Experimental studies and prediction algorithms are not available or were not evaluated, and the functional significance of this variant is currently unknown. This variant has not been reported in the literature in individuals affected with APC-related conditions. This variant is not present in population databases (gnomAD no frequency). This variant occurs in a non-coding region of the APC gene. It does not change the encoded amino acid sequence of the APC protein.